The following is an entry in ClinVar:

ClinVar aggregate classification (germline): Uncertain significance (1 of 4 stars; one submission).

Conditions:
Emery-Dreifuss muscular dystrophy 5, autosomal dominant (EDMD5). Also called: EMERY-DREIFUSS MUSCULAR DYSTROPHY 5. Identifiers: Orphanet 261, MedGen C2751805, MONDO:0013072, OMIM 612999.

gnomAD v4.1: 43 of 1,614,042 alleles (0.0027%); highest among the groups gnomAD compares: Non-Finnish European, 0.0035%; no homozygotes.

Submission:

Labcorp Genetics (formerly Invitae), Labcorp
Classification: Uncertain significance for Emery-Dreifuss muscular dystrophy 5, autosomal dominant. Last evaluated: 2024-12-19. Review status: criteria provided, single submitter. Criteria: Invitae Variant Classification Sherloc (09022015). Collection method: clinical testing. Allele origin: germline.
Comment: This sequence change replaces threonine, which is neutral and polar, with alanine, which is neutral and non-polar, at codon 2823 of the SYNE2 protein (p.Thr2823Ala). This variant is present in population databases (rs752331088, gnomAD 0.003%). This variant has not been reported in the literature in individuals affected with SYNE2-related conditions. An algorithm developed to predict the effect of missense changes on protein structure and function outputs the following: PolyPhen-2: "Benign". The alanine amino acid residue is found in multiple mammalian species, which suggests that this missense change does not adversely affect protein function. In summary, the available evidence is currently insufficient to determine the role of this variant in disease. Therefore, it has been classified as a Variant of Uncertain Significance.

NM_182914.3(SYNE2):c.8467A>G (p.Thr2823Ala)

Gene: SYNE2 (spectrin repeat containing nuclear envelope protein 2; plus strand). Cytogenetic location: 14q23.2.
Variant type: single nucleotide variant.
Coding change: c.8467A>G on transcript NM_182914.3 (MANE Select); coding-DNA position 8467, A replaced by G.
Protein change: p.Thr2823Ala; replaces threonine 2823 with alanine.
Molecular consequence: missense variant.
Genome position (GRCh38, 1-based): chr14:64,052,380, A>G. VCF-style: chr14-64052380-A-G. GRCh37 (hg19) VCF-style: chr14-64519098-A-G.
Other names: c.8467A>G, p.Thr2823Ala (NM_015180.6); short protein forms T2823A.
Identifiers: ClinVar variation 3623168 (VCV003623168.2).